The following is an entry in ClinVar:

NM_007294.4(BRCA1):c.2898T>C (p.Ile966=)

Gene: BRCA1 (BRCA1 DNA repair associated; minus strand). Cytogenetic location: 17q21.31.
Variant type: single nucleotide variant.
Coding change: c.2898T>C on transcript NM_007294.4 (MANE Select); coding-DNA position 2898, T replaced by C.
Protein change: p.Ile966=; no amino-acid change (isoleucine 966 retained).
Molecular consequence: synonymous variant. On other transcripts: intron variant (137).
Genome position (GRCh38, 1-based): chr17:43,092,633, A>G on the plus strand (T>C on the coding strand, the complement: BRCA1 is on the minus strand). VCF-style: chr17-43092633-A-G. GRCh37 (hg19) VCF-style: chr17-41244650-A-G.
Other names: c.2685T>C, p.Ile895= (NM_001407571.1, NM_001407853.1, NM_001407894.1 and 9 more transcripts); c.2898T>C, p.Ile966= (NM_001407581.1, NM_001407582.1, NM_001407583.1 and 30 more transcripts); c.2895T>C, p.Ile965= (NM_001407587.1, NM_001407590.1, NM_001407591.1 and 22 more transcripts); c.2889T>C, p.Ile963= (NM_001407646.1, NM_001407647.1); c.2775T>C, p.Ile925= (NM_001407648.1, NM_001407664.1, NM_001407665.1 and 19 more transcripts); c.2772T>C, p.Ile924= (NM_001407649.1, NM_001407670.1, NM_001407671.1 and 11 more transcripts); c.2820T>C, p.Ile940= (NM_001407653.1, NM_001407654.1, NM_001407655.1 and 4 more transcripts); c.2817T>C, p.Ile939= (NM_001407659.1, NM_001407660.1, NM_001407661.1 and 1 more transcripts); and 41 more.
Identifiers: ClinVar variation 185526 (VCV000185526.18), dbSNP rs786202249, ClinGen allele CA001887.

ClinVar aggregate classification (germline): Likely benign. Review status: reviewed by expert panel (3 of 4 stars). 4 submissions from 4 submitters: Likely benign (1). 3 of the submissions do not count toward it. Last evaluated 2017-06-29.

Conditions:
Hereditary breast ovarian cancer syndrome. Also called: Hereditary breast and ovarian cancer syndrome; Hereditary breast and ovarian cancer syndrome (HBOC); BRCA1- and BRCA2-Associated Hereditary Breast and Ovarian Cancer; Breast and ovarian cancer; Hereditary breast and ovarian cancer; Hereditary breast and/or ovarian cancer syndrome. Identifiers: Orphanet 145, MedGen C0677776, MeSH D061325, MONDO:0003582. Disease mechanism: loss of function.
Hereditary cancer-predisposing syndrome. Also called: Hereditary Cancer Syndrome; Hereditary neoplastic syndrome; Tumor predisposition; Neoplastic Syndromes, Hereditary. Identifiers: Orphanet 140162, MedGen C0027672, MeSH D009386, MONDO:0015356.
Breast-ovarian cancer, familial, susceptibility to, 1 (BROVCA1). Also called: OVARIAN CANCER, SUSCEPTIBILITY TO; BRCA1 Hereditary Breast and Ovarian Cancer. Identifiers: Orphanet 145, MedGen C2676676, MONDO:0011450, OMIM 604370. Disease mechanism: loss of function.

Allele frequency attached by ClinVar (database versions not stated): gnomAD exomes below 0.00001.
gnomAD v4.1: 1 of 1,614,116 alleles (0.000062%); highest among the groups gnomAD compares: Non-Finnish European, 0.000085%; no homozygotes.

Submissions (4):

Evidence-based Network for the Interpretation of Germline Mutant Alleles (ENIGMA)
Classification: Likely benign for Breast-ovarian cancer, familial, susceptibility to, 1. Last evaluated: 2017-06-29. Review status: reviewed by expert panel. Criteria: ENIGMA BRCA1/2 Classification Criteria (2017-06-29). Collection method: curation. Allele origin: germline.
Comment: Synonymous substitution variant, with low bioinformatic likelihood to result in a splicing aberration (Splicing prior probability 0.02).

Labcorp Genetics (formerly Invitae), Labcorp
Classification: Likely benign for Hereditary breast ovarian cancer syndrome. Last evaluated: 2025-05-08. Review status: criteria provided, single submitter. Criteria: Invitae Variant Classification Sherloc (09022015). Collection method: clinical testing. Allele origin: germline. Not counted in ClinVar's aggregate classification.

Color Diagnostics, LLC DBA Color Health
Classification: Likely benign for Hereditary cancer-predisposing syndrome. Last evaluated: 2023-05-16. Review status: criteria provided, single submitter. Criteria: ACMG Guidelines, 2015. Collection method: clinical testing. Allele origin: germline. Not counted in ClinVar's aggregate classification.

Ambry Genetics
Classification: Likely benign for Hereditary cancer-predisposing syndrome. Last evaluated: 2014-07-07. Review status: criteria provided, single submitter. Criteria: Ambry Variant Classification Scheme 2023. Collection method: clinical testing. Allele origin: germline. Not counted in ClinVar's aggregate classification.